The following is an entry in ClinVar:

NM_000219.6(KCNE1):c.208A>T (p.Lys70Ter)

Gene: KCNE1 (potassium voltage-gated channel subfamily E regulatory subunit 1; minus strand). Cytogenetic location: 21q22.12.
Variant type: single nucleotide variant.
Coding change: c.208A>T on transcript NM_000219.6 (MANE Select); coding-DNA position 208, A replaced by T.
Protein change: p.Lys70Ter; replaces lysine 70 with a stop codon.
Molecular consequence: nonsense.
Genome position (GRCh38, 1-based): chr21:34,449,427, T>A on the plus strand (A>T on the coding strand, the complement: KCNE1 is on the minus strand). VCF-style: chr21-34449427-T-A. GRCh37 (hg19) VCF-style: chr21-35821725-T-A.
Other names: c.208A>T, p.Lys70Ter (NM_001127668.4, NM_001127669.4, NM_001127670.4 and 4 more transcripts); short protein forms K70*.
Identifiers: ClinVar variation 3374333 (VCV003374333.2).

Conditions:
Long QT syndrome 5 (LQT5). Identifiers: Orphanet 101016, Orphanet 768, MedGen C1867904, MONDO:0013372, OMIM 613695.

Submission:

Roden Lab, Vanderbilt University Medical Center
No classification provided (evidence only). Condition: Long QT syndrome 5. Review status: no classification provided. Collection method: in vitro. Allele origin: not applicable. Functional consequence: Effect on ion channel function.
ClinVar note: "not provided" was previously submitted as the classification for the variant. However, the classification appeared to be based only on an observation of functional data so it was converted to no classification on 2025-07-30.